The following is an entry in ClinVar:

ClinVar aggregate classification (germline): Likely pathogenic. Review status: criteria provided, multiple submitters, no conflicts (2 of 4 stars). 2 submissions from 2 submitters: Likely pathogenic (2). Last evaluated 2022-05-27.

Conditions:
Familial thoracic aortic aneurysm and aortic dissection (TAAD). Also called: Thoracic aortic aneurysms and dissections. Identifiers: Orphanet 91387, MedGen C4707243, MONDO:0019625.

Submissions (2):

GeneDx
Classification: Likely pathogenic. Last evaluated: 2022-05-27. Review status: criteria provided, single submitter. Criteria: GeneDx Variant Classification Process June 2021. Collection method: clinical testing. Allele origin: germline. Affected: yes.
Comment: Occurs in the triple helical domain and replaces the glycine in the canonical Gly-X-Y repeat; missense substitution of a canonical glycine residue is expected to disrupt normal protein folding and function, and this is an established mechanism of disease (HGMD); Not observed at significant frequency in large population cohorts (gnomAD); In silico analysis supports that this missense variant has a deleterious effect on protein structure/function; Has not been previously published as pathogenic or benign to our knowledge; This variant is associated with the following publications: (PMID: 9036918, 10706896)

Ambry Genetics
Classification: Likely pathogenic for Familial thoracic aortic aneurysm and aortic dissection. Last evaluated: 2020-04-02. Review status: criteria provided, single submitter. Criteria: Ambry Variant Classification Scheme 2023. Collection method: clinical testing. Allele origin: germline.
Comment: The p.G396S variant (also known as c.1186G>A), located in coding exon 17 of the COL3A1 gene, results from a G to A substitution at nucleotide position 1186. The glycine at codon 396 is replaced by serine, an amino acid with similar properties. The majority (approximately two-thirds) of COL3A1 mutations identified to date have involved the substitution of another amino acid for glycine within the triple-helical domain (Pepin MG et al. Genet Med. 2014;16(12):881-8; Frank M et al. Eur J Hum Genet. 2015;23(12):1657-64). Internal structural analysis indicates that this alteration disrupts the characteristic G-X-Y motif in the COL3A1 protein and inserts a bulky side chain into a sterically-constrained region (Bella J et al. Science. 1994;266:75-81; Hohenester E et al. Proc. Natl. Acad. Sci. U.S.A. 2008;105:18273-7; Ambry internal data). An alternate amino acid substitution in this codon, p.G396V, has been reported in vascular Ehlers-Danlos syndrome (EDS) cohorts (Frank M et al. Eur. J. Hum. Genet., 2015 Dec;23:1657-64; Legrand A et al. Genet. Med., 2019 07;21:1568-1575). This amino acid position is highly conserved in available vertebrate species. In addition, this alteration is predicted to be deleterious by in silico analysis. Based on the majority of available evidence to date, this variant is likely to be pathogenic.

NM_000090.4(COL3A1):c.1186G>A (p.Gly396Ser)

Gene: COL3A1 (collagen type III alpha 1 chain; plus strand). Cytogenetic location: 2q32.2.
Variant type: single nucleotide variant.
Coding change: c.1186G>A on transcript NM_000090.4 (MANE Select); coding-DNA position 1186, G replaced by A.
Protein change: p.Gly396Ser; replaces glycine 396 with serine.
Molecular consequence: missense variant.
Genome position (GRCh38, 1-based): chr2:188,994,074, G>A. VCF-style: chr2-188994074-G-A. GRCh37 (hg19) VCF-style: chr2-189858800-G-A.
Other names: short protein forms G396S.
Identifiers: ClinVar variation 1743597 (VCV001743597.3), dbSNP rs2469127914, ClinGen allele CA349851244.